The following is an entry in ClinVar:

ClinVar aggregate classification (germline): Uncertain significance (1 of 4 stars; one submission).

Conditions:
Familial adenomatous polyposis 1 (FAP1). Also called: FAMILIAL ADENOMATOUS POLYPOSIS 1, ATTENUATED; POLYPOSIS, ADENOMATOUS INTESTINAL. Identifiers: MedGen C2713442, MONDO:0021056, OMIM 175100. Disease mechanism: loss of function.

Submission:

Labcorp Genetics (formerly Invitae), Labcorp
Classification: Uncertain significance for Familial adenomatous polyposis 1. Last evaluated: 2021-07-28. Review status: criteria provided, single submitter. Criteria: Invitae Variant Classification Sherloc (09022015). Collection method: clinical testing. Allele origin: germline.
Comment: In summary, the available evidence is currently insufficient to determine the role of this variant in disease. Therefore, it has been classified as a Variant of Uncertain Significance. Algorithms developed to predict the effect of missense changes on protein structure and function are either unavailable or do not agree on the potential impact of this missense change (SIFT: "Tolerated"; PolyPhen-2: "Probably Damaging"; Align-GVGD: "Class C0"). This variant has not been reported in the literature in individuals affected with APC-related conditions. This variant is not present in population databases (ExAC no frequency). This sequence change replaces glutamine with proline at codon 2829 of the APC protein (p.Gln2829Pro). The glutamine residue is highly conserved and there is a moderate physicochemical difference between glutamine and proline.

NM_000038.6(APC):c.8486A>C (p.Gln2829Pro)

Gene: APC (APC regulator of Wnt signaling pathway; plus strand). Cytogenetic location: 5q22.2.
Variant type: single nucleotide variant.
Coding change: c.8486A>C on transcript NM_000038.6 (MANE Select); coding-DNA position 8486, A replaced by C.
Protein change: p.Gln2829Pro; replaces glutamine 2829 with proline.
Molecular consequence: missense variant.
Genome position (GRCh38, 1-based): chr5:112,844,080, A>C. VCF-style: chr5-112844080-A-C. GRCh37 (hg19) VCF-style: chr5-112179777-A-C.
Other names: c.8486A>C, p.Gln2829Pro (NM_001127510.3, NM_001354895.2); c.8432A>C, p.Gln2811Pro (NM_001127511.3); c.8540A>C, p.Gln2847Pro (NM_001354896.2); c.8516A>C, p.Gln2839Pro (NM_001354897.2); c.8411A>C, p.Gln2804Pro (NM_001354898.2); c.8402A>C, p.Gln2801Pro (NM_001354899.2); c.8363A>C, p.Gln2788Pro (NM_001354900.2); c.8309A>C, p.Gln2770Pro (NM_001354901.2); and 5 more; short protein forms Q2703P, Q2788P, Q2839P, Q2847P, Q2728P, Q2804P, Q2811P, Q2829P.
Identifiers: ClinVar variation 1407875 (VCV001407875.6), dbSNP rs1561623710, ClinGen allele CA16039738.